The following is an entry in ClinVar:

NM_001135649.3(FOXI3):c.653_663del (p.Asn217_Tyr218insTer)

Gene: FOXI3 (forkhead box I3; minus strand). Cytogenetic location: 2p11.2.
Variant type: Deletion.
Coding change: c.653_663del on transcript NM_001135649.3 (MANE Select); coding-DNA positions 653 to 663, 11 bases deleted (ATTGGACTCTT).
Protein change: p.Asn217_Tyr218insTer.
Molecular consequence: nonsense.
Genome position (GRCh38, 1-based): chr2:88,448,807-88,448,817, AAGAGTCCAAT deleted on the plus strand (ATTGGACTCTT on the coding strand, the reverse complement: FOXI3 is on the minus strand); deleting any 11 consecutive bases within chr2:88,448,807-88,448,819 gives the same sequence; the c. name uses the placement nearest the transcript's 3' end. VCF-style (leftmost placement, unchanged base first): chr2-88448806-CAAGAGTCCAAT-C. GRCh37 (hg19) VCF-style: chr2-88748325-CAAGAGTCCAAT-C.
Identifiers: ClinVar variation 3688747 (VCV003688747.2).

ClinVar aggregate classification (germline): Uncertain significance (1 of 4 stars; one submission).

Submission:

Labcorp Genetics (formerly Invitae), Labcorp
Classification: Uncertain significance. Last evaluated: 2024-06-12. Review status: criteria provided, single submitter. Criteria: Invitae Variant Classification Sherloc (09022015). Collection method: clinical testing. Allele origin: germline.
Comment: This sequence change creates a premature translational stop signal (p.Tyr218*) in the FOXI3 gene. While this is not anticipated to result in nonsense mediated decay, it is expected to disrupt the last 203 amino acid(s) of the FOXI3 protein. This variant is not present in population databases (gnomAD no frequency). This variant has not been reported in the literature in individuals affected with FOXI3-related conditions. Experimental studies and prediction algorithms are not available or were not evaluated, and the functional significance of this variant is currently unknown. In summary, the available evidence is currently insufficient to determine the role of this variant in disease. Therefore, it has been classified as a Variant of Uncertain Significance.